The following is an entry in ClinVar:

ClinVar aggregate classification (germline): Likely pathogenic (1 of 4 stars; one submission).

Allele frequency attached by ClinVar (database versions not stated): gnomAD 0.00001; TOPMed 0.00001.
gnomAD v4.1: 3 of 1,613,722 alleles (0.00019%); highest among the groups gnomAD compares: Non-Finnish European, 0.00017%; no homozygotes.

Submission:

GeneDx
Classification: Likely pathogenic. Last evaluated: 2023-08-25. Review status: criteria provided, single submitter. Criteria: GeneDx Variant Classification Process June 2021. Collection method: clinical testing. Allele origin: germline. Affected: yes.
Comment: Nonsense variant predicted to result in protein truncation as the last 25 amino acids are lost, although loss-of-function variants have not been reported downstream of this position in the protein; Not observed at significant frequency in large population cohorts (gnomAD); Has not been previously published as pathogenic or benign to our knowledge

NM_205861.3(DHDDS):c.925C>T (p.Arg309Ter)

Gene: DHDDS (dehydrodolichyl diphosphate synthase subunit; plus strand). Cytogenetic location: 1p36.11.
Variant type: single nucleotide variant.
Coding change: c.925C>T on transcript NM_205861.3 (MANE Select); coding-DNA position 925, C replaced by T.
Protein change: p.Arg309Ter; replaces arginine 309 with a stop codon.
Molecular consequence: nonsense.
Genome position (GRCh38, 1-based): chr1:26,469,054, C>T. VCF-style: chr1-26469054-C-T. GRCh37 (hg19) VCF-style: chr1-26795545-C-T.
Other names: c.823C>T, p.Arg275Ter (NM_001243564.2); c.808C>T, p.Arg270Ter (NM_001243565.2); c.646C>T, p.Arg216Ter (NM_001319959.2); c.928C>T, p.Arg310Ter (NM_024887.4); short protein forms R216*, R270*, R275*, R309*, R310*.
Identifiers: ClinVar variation 2577589 (VCV002577589.1), dbSNP rs1271715523, ClinGen allele CA339145845.